The following is an entry in ClinVar:

ClinVar aggregate classification (germline): Uncertain significance (1 of 4 stars; one submission).

gnomAD v4.1: 2 of 1,613,168 alleles (0.00012%); highest among the groups gnomAD compares: Admixed American, 0.0017%; no homozygotes.

Submission:

Labcorp Genetics (formerly Invitae), Labcorp
Classification: Uncertain significance. Last evaluated: 2025-08-06. Review status: criteria provided, single submitter. Criteria: Invitae Variant Classification Sherloc (09022015). Collection method: clinical testing. Allele origin: germline.
Comment: This sequence change replaces leucine, which is neutral and non-polar, with phenylalanine, which is neutral and non-polar, at codon 2502 of the DCHS1 protein (p.Leu2502Phe). This variant is not present in population databases (gnomAD no frequency). This variant has not been reported in the literature in individuals affected with DCHS1-related conditions. Invitae Evidence Modeling of protein sequence and biophysical properties (such as structural, functional, and spatial information, amino acid conservation, physicochemical variation, residue mobility, and thermodynamic stability) indicates that this missense variant is not expected to disrupt DCHS1 protein function with a negative predictive value of 80%. In summary, the available evidence is currently insufficient to determine the role of this variant in disease. Therefore, it has been classified as a Variant of Uncertain Significance.

NM_003737.4(DCHS1):c.7504C>T (p.Leu2502Phe)

Gene: DCHS1 (dachsous cadherin-related 1; minus strand). Cytogenetic location: 11p15.4.
Variant type: single nucleotide variant.
Coding change: c.7504C>T on transcript NM_003737.4 (MANE Select); coding-DNA position 7504, C replaced by T.
Protein change: p.Leu2502Phe; replaces leucine 2502 with phenylalanine.
Molecular consequence: missense variant.
Genome position (GRCh38, 1-based): chr11:6,624,172, G>A on the plus strand (C>T on the coding strand, the complement: DCHS1 is on the minus strand). VCF-style: chr11-6624172-G-A. GRCh37 (hg19) VCF-style: chr11-6645403-G-A.
Other names: short protein forms L2502F.
Identifiers: ClinVar variation 4701669 (VCV004701669.1).